The following is an entry in ClinVar:

NC_000007.14:g.(?_104599208)_(104870573_?)del

Genes: LHFPL3-AS1 (LHFPL3 antisense RNA 1; minus strand), LHFPL3 (LHFPL tetraspan subfamily member 3; plus strand). Cytogenetic location: 7q22.2.
Variant type: Deletion.
Identifiers: ClinVar variation 3376543 (VCV003376543.2).

ClinVar aggregate classification (germline): Pathogenic (1 of 4 stars; one submission).

Conditions:
O'Donnell-Luria-Rodan syndrome (ODLURO). Also called: KMT2E-Related Neurodevelopmental Disorder. Identifiers: MedGen C5193138, MONDO:0032793, OMIM 618512.

Submission:

Translational Cytogenomics Research Unit, Bambino Gesu Children Hospital
Classification: Pathogenic for O'Donnell-Luria-Rodan syndrome. Last evaluated: 2024-11-12. Review status: criteria provided, single submitter. Criteria: ACMG Guidelines, 2015. Collection method: clinical testing. Allele origin: de novo. Affected: yes.
Comment: This variant is a gross deletion of the genomic region encompassing the KMT2E gene. While it is not anticipated to result in nonsense mediated decay, it is expected to create a truncated protein product or disrupt mRNA translation. Loss-of-function variants in KMT2E are known to be pathogenic.This variant has been identified as a de novo. ACMG Criteria (1A, 2A, 3A, 4A, 5A)